The following is an entry in ClinVar:

ClinVar aggregate classification (germline): Pathogenic (1 of 4 stars; one submission).

Submission:

Labcorp Genetics (formerly Invitae), Labcorp
Classification: Pathogenic. Last evaluated: 2021-12-11. Review status: criteria provided, single submitter. Criteria: Invitae Variant Classification Sherloc (09022015). Collection method: clinical testing. Allele origin: germline.
Comment: For these reasons, this variant has been classified as Pathogenic. This variant disrupts a region of the SLC45A2 protein in which other variant(s) (p.Leu485Pro) have been determined to be pathogenic (PMID: 25326637; Invitae). This suggests that this is a clinically significant region of the protein, and that variants that disrupt it are likely to be disease-causing. This variant has not been reported in the literature in individuals affected with SLC45A2-related conditions. This variant is not present in population databases (gnomAD no frequency). This sequence change creates a premature translational stop signal (p.Tyr401Hisfs*42) in the SLC45A2 gene. While this is not anticipated to result in nonsense mediated decay, it is expected to disrupt the last 130 amino acid(s) of the SLC45A2 protein.

Literature cited by the submitters: PubMed 25326637.

NM_016180.5(SLC45A2):c.1201_1205del (p.Tyr401fs)

Gene: SLC45A2 (solute carrier family 45 member 2; minus strand). Cytogenetic location: 5p13.2.
Variant type: Deletion.
Coding change: c.1201_1205del on transcript NM_016180.5 (MANE Select); coding-DNA positions 1201 to 1205, 5 bases deleted (TACTT; older notation c.1201_1205delTACTT).
Protein change: p.Tyr401fs; shifts the reading frame from tyrosine 401.
Molecular consequence: frameshift variant.
Genome position (GRCh38, 1-based): chr5:33,947,326-33,947,330, AAGTA deleted on the plus strand (TACTT on the coding strand, the reverse complement: SLC45A2 is on the minus strand); deleting any 5 consecutive bases within chr5:33,947,326-33,947,333 gives the same sequence; the c. name uses the placement nearest the transcript's 3' end. VCF-style (leftmost placement, unchanged base first): chr5-33947325-GAAGTA-G. GRCh37 (hg19) VCF-style: chr5-33947430-GAAGTA-G.
Other names: c.1201_1205del, p.Tyr401fs (NM_001012509.4); short protein forms Y401fs.
Identifiers: ClinVar variation 2040027 (VCV002040027.4), dbSNP rs2478775818, ClinGen allele CA2580073177.